The following is an entry in ClinVar:

NM_001202.6(BMP4):c.17G>A (p.Arg6Gln)

Gene: BMP4 (bone morphogenetic protein 4; minus strand). Cytogenetic location: 14q22.2.
Variant type: single nucleotide variant.
Coding change: c.17G>A on transcript NM_001202.6 (MANE Select); coding-DNA position 17, G replaced by A.
Protein change: p.Arg6Gln; replaces arginine 6 with glutamine.
Molecular consequence: missense variant. On other transcripts: intron variant (4).
Genome position (GRCh38, 1-based): chr14:53,952,206, C>T on the plus strand (G>A on the coding strand, the complement: BMP4 is on the minus strand). VCF-style: chr14-53952206-C-T. GRCh37 (hg19) VCF-style: chr14-54418924-C-T.
Other names: c.17G>A (NM_001202.3); c.17G>A, p.Arg6Gln (NM_001347914.2, NM_001347916.1, NM_130850.5 and 1 more transcripts); c.188-30G>A (NM_001347912.1); c.-143-30G>A (NM_001347913.2, NM_001347917.1, NM_001347915.2); short protein forms R6Q.
Identifiers: ClinVar variation 1346066 (VCV001346066.9), dbSNP rs377379589, ClinGen allele CA7191853.

ClinVar aggregate classification (germline): Uncertain significance. Review status: criteria provided, multiple submitters, no conflicts (2 of 4 stars). 2 submissions from 2 submitters: Uncertain significance (2). Last evaluated 2025-03-22.

Conditions:
Inborn genetic diseases. Identifiers: MedGen C0950123, MeSH D030342.
Orofacial cleft 11 (OFC11). Also called: Orofacial cleft 11; ofc11; CLEFT LIP WITH OR WITHOUT CLEFT PALATE, NONSYNDROMIC, 11. Identifiers: MedGen C2677434, MONDO:0010906, OMIM 600625.
Microphthalmia with brain and digit anomalies (MCOPS6). Also called: MICROPHTHALMIA AND PITUITARY ANOMALIES; Microphthalmia, syndromic 6. Identifiers: Orphanet 139471, MedGen C1864689, MONDO:0011936, OMIM 607932.

Allele frequency attached by ClinVar (database versions not stated): gnomAD exomes below 0.00001 and 0.00001; gnomAD 0.00001 and 0.00003; ExAC 0.00002; TOPMed 0.00002; ESP Exome Variant Server 0.00008.
gnomAD v4.1: 5 of 1,613,876 alleles (0.00031%); highest among the groups gnomAD compares: South Asian, 0.0033%; no homozygotes.

Submissions (2):

Ambry Genetics
Classification: Uncertain significance for Inborn genetic diseases. Last evaluated: 2025-03-22. Review status: criteria provided, single submitter. Criteria: Ambry Variant Classification Scheme 2023. Collection method: clinical testing. Allele origin: germline.

Labcorp Genetics (formerly Invitae), Labcorp
Classification: Uncertain significance for Microphthalmia with brain and digit anomalies; Orofacial cleft 11. Last evaluated: 2021-06-24. Review status: criteria provided, single submitter. Criteria: Invitae Variant Classification Sherloc (09022015). Collection method: clinical testing. Allele origin: germline.
Comment: In summary, the available evidence is currently insufficient to determine the role of this variant in disease. Therefore, it has been classified as a Variant of Uncertain Significance. Algorithms developed to predict the effect of missense changes on protein structure and function are either unavailable or do not agree on the potential impact of this missense change (SIFT: "Tolerated"; PolyPhen-2: "Probably Damaging"; Align-GVGD: "Class C0"). This variant has not been reported in the literature in individuals with BMP4-related conditions. This variant is present in population databases (rs377379589, ExAC 0.01%). This sequence change replaces arginine with glutamine at codon 6 of the BMP4 protein (p.Arg6Gln). The arginine residue is highly conserved and there is a small physicochemical difference between arginine and glutamine.